The following is an entry in ClinVar:

ClinVar aggregate classification (germline): Uncertain significance. Review status: criteria provided, multiple submitters, no conflicts (2 of 4 stars). 3 submissions from 3 submitters: Uncertain significance (3). Last evaluated 2023-03-13.

Conditions:
Hereditary cancer-predisposing syndrome. Also called: Neoplastic Syndromes, Hereditary; Tumor predisposition; Hereditary Cancer Syndrome; Hereditary neoplastic syndrome. Identifiers: Orphanet 140162, MedGen C0027672, MeSH D009386, MONDO:0015356.
Hereditary breast ovarian cancer syndrome. Also called: Hereditary breast and ovarian cancer syndrome; Hereditary breast and ovarian cancer; Hereditary breast and ovarian cancer syndrome (HBOC); Breast and ovarian cancer; Hereditary breast and/or ovarian cancer syndrome; BRCA1- and BRCA2-Associated Hereditary Breast and Ovarian Cancer. Identifiers: Orphanet 145, MedGen C0677776, MeSH D061325, MONDO:0003582. Disease mechanism: loss of function.

Submissions (3):

Labcorp Genetics (formerly Invitae), Labcorp
Classification: Uncertain significance for Hereditary breast ovarian cancer syndrome. Last evaluated: 2023-03-13. Review status: criteria provided, single submitter. Criteria: Invitae Variant Classification Sherloc (09022015). Collection method: clinical testing. Allele origin: germline.
Comment: In summary, the available evidence is currently insufficient to determine the role of this variant in disease. Therefore, it has been classified as a Variant of Uncertain Significance. ClinVar contains an entry for this variant (Variation ID: 485390). This variant has not been reported in the literature in individuals affected with BRCA1-related conditions. This sequence change creates a premature translational stop signal (p.Asp185*) in the BRCA1 gene. Loss-of-function variants in BRCA1 are expected to be pathogenic (PMID: 20104584). However, an in-frame BRCA1 isoform lacking exons 8 and 9 (also known as exons 9 and 10) is highly expressed in blood from unaffected individuals and in normal breast tissue; this isoform may retain protein function and could functionally rescue loss-of-function variants within exons 8-9 (PMID: 24569164). This variant is not present in population databases (gnomAD no frequency).

Ambry Genetics
Classification: Uncertain significance for Hereditary cancer-predisposing syndrome. Last evaluated: 2020-10-21. Review status: criteria provided, single submitter. Criteria: Ambry Variant Classification Scheme 2023. Collection method: clinical testing. Allele origin: germline.
Comment: The c.552dupT alteration (also known as p.D185*), located in coding exon 7 of the BRCA1 gene, results from a duplication of T at nucleotide position 552. This changes the amino acid from an aspartic acid to a stop codon within coding exon 7 (also known as exon 8) which is skipped in one of the natural in-frame minor isoforms expressed in normal individuals (known in the literature as BRCA1 delta 9-10) (Colombo M et al. Hum. Mol. Genet. 2014 Jul;23:3666-80; Whiley PJ et al. Clin. Chem. 2014 Feb;60:341-52). Although alterations that result in premature protein truncation are typically deleterious in nature, protein truncating alterations that occur in exons that are skipped in naturally occurring in-frame minor isoforms have an uncertain impact on pathogenicity since it is possible that the naturally occurring isoform that lacks coding exons 8 and 9 may be partially functional (de la Hoya M et al. Hum. Mol. Genet. 2016 Jun;25:2256-2268). As such, the clinical significance of this alteration remains unclear.

Women's Health and Genetics/Laboratory Corporation of America, LabCorp
Classification: Uncertain significance. Last evaluated: 2020-09-30. Review status: criteria provided, single submitter. Criteria: LabCorp Variant Classification Summary - May 2015. Collection method: clinical testing. Allele origin: germline.
Comment: Variant summary: BRCA1 c.552dupT (p.Asp185X) located in exon 9 of the BRCA1 gene results in a premature termination codon, predicted to cause a truncation of the encoded protein or absence of the protein due to nonsense mediated decay, which are commonly known mechanisms for disease. Truncations downstream of this position have been classified as pathogenic by our laboratory. Recent evidence points to a lack of breast and ovarian cancer cancer risk for loss of function variants located in exons 9 or 10 of the BRCA1 gene (de la Hoya_2016). This was attributed to the ability of alternatively spliced in-frame transcripts lacking exons 9 and 10 as encoding a protein isoform (p.Gly183-Lys223del) that is predicted to have sufficient tumor suppressor activity in-vivo. However, this report did not characterize the functional outcome of this altered protein isoform and was limited to the spliceogenic effect of a different variant, namely, c.[594-2A>C;641A>G] predominantly associated with exon 10 skipping. The variant was absent in 250928 control chromosomes. The available data on variant occurrences in the general population are insufficient to allow any conclusion about variant significance. To our knowledge, no occurrence of c.552dupT in individuals affected with Hereditary Breast And Ovarian Cancer Syndrome and no experimental evidence demonstrating its impact on protein function have been reported. One clinical diagnostic laboratory has submitted clinical-significance assessments for this variant to ClinVar after 2014 without evidence for independent evaluation and classified the variant as uncertain significance. Based on the evidence outlined above, in the absence of information regarding residual levels of transcripts lacking exon 9 and 10 in patients with this nonsense LOF variant, and lack of additional reports demonstrating a clinical association with disease (example, Odds of causality, disease pathology and expert panel assessments), it is classified as a VUS-possibly pathogenic.

Literature cited by the submitters: PubMed 20104584 (cited by Labcorp Genetics (formerly Invitae), Labcorp); PubMed 24569164 (cited by Labcorp Genetics (formerly Invitae), Labcorp).

NM_007294.4(BRCA1):c.552dup (p.Asp185Ter)

Gene: BRCA1 (BRCA1 DNA repair associated; minus strand). Cytogenetic location: 17q21.31.
Variant type: Duplication.
Coding change: c.552dup on transcript NM_007294.4 (MANE Select); coding-DNA position 552, one base duplicated (T; older notation c.552dupT).
Protein change: p.Asp185Ter; replaces aspartic acid 185 with a stop codon.
Molecular consequence: nonsense. On other transcripts: frameshift variant (251), non-coding transcript variant (1).
Genome position (GRCh38, 1-based): chr17:43,097,285, A duplicated on the plus strand (T on the coding strand, the reverse complement: BRCA1 is on the minus strand). VCF-style (leftmost placement, unchanged base first): chr17-43097284-C-CA. GRCh37 (hg19) VCF-style: chr17-41249301-C-CA.
Other names: c.552dupT (NM_007294.3); c.339dup, p.Asp114Terfs (NM_001407571.1, NM_001407853.1, NM_001407894.1 and 12 more transcripts); c.552dup, p.Asp185Terfs (NM_001407581.1, NM_001407582.1, NM_001407583.1 and 57 more transcripts); c.549dup, p.Asp184Terfs (NM_001407587.1, NM_001407590.1, NM_001407591.1 and 41 more transcripts); c.543dup, p.Asp182Terfs (NM_001407646.1, NM_001407647.1, NM_001408408.1); c.474dup, p.Asp159Terfs (NM_001407653.1, NM_001407654.1, NM_001407655.1 and 9 more transcripts); c.471dup, p.Asp158Terfs (NM_001407659.1, NM_001407660.1, NM_001407661.1 and 3 more transcripts); c.411dup, p.Asp138Terfs (NM_001407692.1, NM_001407694.1, NM_001407695.1 and 42 more transcripts); and 7 more; short protein forms D138*, D185*.
Identifiers: ClinVar variation 485390 (VCV000485390.15), dbSNP rs1555594073, ClinGen allele CA658656649.